The following is an entry in ClinVar:

ClinVar aggregate classification (germline): Uncertain significance. Review status: criteria provided, multiple submitters, no conflicts (2 of 4 stars). 2 submissions from 2 submitters: Uncertain significance (2). Last evaluated 2023-05-26.

Conditions:
OAS1-related disorder. Also called: OAS1-related condition.

Allele frequency attached by ClinVar (database versions not stated): gnomAD exomes below 0.00001; TOPMed below 0.00001.

Submissions (2):

PreventionGenetics, part of Exact Sciences
Classification: Uncertain significance for OAS1-related condition. Last evaluated: 2023-05-26. Review status: criteria provided, single submitter. Criteria: ACMG Guidelines, 2015. Collection method: clinical testing. Allele origin: germline.
Comment: The OAS1 c.625A>G variant is predicted to result in the amino acid substitution p.Ile209Val. To our knowledge, this variant has not been reported in the literature. This variant is reported in 0.022% of alleles in individuals of East Asian descent in gnomAD. At this time, the clinical significance of this variant is uncertain due to the absence of conclusive functional and genetic evidence.

Ambry Genetics
Classification: Uncertain significance. Last evaluated: 2023-02-28. Review status: criteria provided, single submitter. Criteria: Ambry Variant Classification Scheme 2023. Collection method: clinical testing. Allele origin: germline.

NM_016816.4(OAS1):c.625A>G (p.Ile209Val)

Gene: OAS1 (2'-5'-oligoadenylate synthetase 1; plus strand). Cytogenetic location: 12q24.13.
Variant type: single nucleotide variant.
Coding change: c.625A>G on transcript NM_016816.4 (MANE Select); coding-DNA position 625, A replaced by G.
Protein change: p.Ile209Val; replaces isoleucine 209 with valine.
Molecular consequence: missense variant. On other transcripts: non-coding transcript variant (9), intron variant (4).
Genome position (GRCh38, 1-based): chr12:112,911,206, A>G. VCF-style: chr12-112911206-A-G. GRCh37 (hg19) VCF-style: chr12-113349011-A-G.
Other names: c.625A>G, p.Ile209Val (NM_001032409.3, NM_001320151.2, NM_001406022.1 and 2 more transcripts); c.578A>G, p.His193Arg (NM_001406020.1, NM_001406021.1, NM_001406023.1 and 2 more transcripts); c.180+3987A>G (NM_001406030.1, NM_001406029.1, NM_001406027.1 and 1 more transcripts); c.625A>G (NM_001032409.2); short protein forms H193R, I209V.
Identifiers: ClinVar variation 2457959 (VCV002457959.3), dbSNP rs758411148, ClinGen allele CA6799832.
Genomic context (GRCh38, chr12:112,911,206, plus strand): 5'-TGCTTCACAGAACTACAGAGAGACTTCCTGAAGCAGCGCCCCACCAAGCTCAAGAGCCTC[A>G]TCCGCCTAGTCAAGCACTGGTACCAAAATGTATGGCCCTCCCACCAGGCCTGGTGGGTCC-3'
Protein context (NP_058132.2, residues 199-219): KQRPTKLKSL[Ile209Val]RLVKHWYQNC